The following is an entry in ClinVar:

ClinVar aggregate classification (germline): Uncertain significance (1 of 4 stars; one submission).

Submission:

GeneDx
Classification: Uncertain significance. Last evaluated: 2024-09-05. Review status: criteria provided, single submitter. Criteria: GeneDx Variant Classification Process June 2021. Collection method: clinical testing. Allele origin: germline. Affected: yes.
Comment: Not observed at significant frequency in large population cohorts (gnomAD); In silico analysis supports that this missense variant has a deleterious effect on protein structure/function; Has not been previously published as pathogenic or benign to our knowledge

NM_001020658.2(PUM1):c.3521G>T (p.Gly1174Val)

Gene: PUM1 (pumilio RNA binding family member 1; minus strand). Cytogenetic location: 1p35.2.
Variant type: single nucleotide variant.
Coding change: c.3521G>T on transcript NM_001020658.2 (MANE Select); coding-DNA position 3521, G replaced by T.
Protein change: p.Gly1174Val; replaces glycine 1174 with valine.
Molecular consequence: missense variant.
Genome position (GRCh38, 1-based): chr1:30,933,257, C>A on the plus strand (G>T on the coding strand, the complement: PUM1 is on the minus strand). VCF-style: chr1-30933257-C-A. GRCh37 (hg19) VCF-style: chr1-31406104-C-A.
Other names: c.3515G>T, p.Gly1172Val (NM_014676.3); short protein forms G1172V, G1174V.
Identifiers: ClinVar variation 3767423 (VCV003767423.1).